The following is an entry in ClinVar:

ClinVar aggregate classification (germline): Benign. Review status: criteria provided, multiple submitters, no conflicts (2 of 4 stars). 4 submissions from 4 submitters: Benign (3). 1 of the submissions does not count toward it. Last evaluated 2026-02-03.

Conditions:
PITRM1-related disorder. Also called: PITRM1-related condition.

Allele frequency attached by ClinVar (database versions not stated): gnomAD exomes 0.03817 and 0.04673; ESP Exome Variant Server 0.04706; ExAC 0.04774; gnomAD 0.04907 and 0.04986; 1000 Genomes Project 0.05172; 1000 Genomes Project 30x 0.05262; TOPMed 0.05393.

Submissions (4):

Labcorp Genetics (formerly Invitae), Labcorp
Classification: Benign. Last evaluated: 2026-02-03. Review status: criteria provided, single submitter. Criteria: Invitae Variant Classification Sherloc (09022015). Collection method: clinical testing. Allele origin: germline.

Blueprint Genetics
Classification: Benign. Last evaluated: 2024-11-27. Review status: criteria provided, single submitter. Criteria: ACMG Guidelines, 2015. Collection method: clinical testing. Allele origin: germline.

Breakthrough Genomics
Classification: Benign. Review status: criteria provided, single submitter. Criteria: ACMG Guidelines, 2015. Collection method: not provided. Allele origin: germline. Inheritance: Autosomal recessive inheritance. Affected: yes.

PreventionGenetics, part of Exact Sciences
Classification: Benign for PITRM1-related condition. Last evaluated: 2019-11-04. Review status: no assertion criteria provided. Collection method: clinical testing. Allele origin: germline. Not counted in ClinVar's aggregate classification.
Comment: This variant is classified as benign based on ACMG/AMP sequence variant interpretation guidelines (Richards et al. 2015 PMID: 25741868, with internal and published modifications).

NM_014889.4(PITRM1):c.433C>G (p.Leu145Val)

Gene: PITRM1 (pitrilysin metallopeptidase 1; minus strand). Cytogenetic location: 10p15.2.
Variant type: single nucleotide variant.
Coding change: c.433C>G on transcript NM_014889.4 (MANE Select); coding-DNA position 433, C replaced by G.
Protein change: p.Leu145Val; replaces leucine 145 with valine.
Molecular consequence: missense variant. On other transcripts: 5 prime UTR variant (1), non-coding transcript variant (4), intron variant (2).
Genome position (GRCh38, 1-based): chr10:3,165,513, G>C on the plus strand (C>G on the coding strand, the complement: PITRM1 is on the minus strand). VCF-style: chr10-3165513-G-C. GRCh37 (hg19) VCF-style: chr10-3207705-G-C.
Other names: c.433C>G, p.Leu145Val (NM_001242307.2, NM_001347725.2); c.337C>G, p.Leu113Val (NM_001242309.1); c.-868C>G (NM_001347728.2); c.409C>G, p.Leu137Val (NM_001347729.1, NM_001347730.1); c.-153-30C>G (NM_001347726.2, NM_001347727.2); c.433C>G (NM_001242307.1); short protein forms L113V, L137V, L145V.
Identifiers: ClinVar variation 1592796 (VCV001592796.12), dbSNP rs9423502, ClinGen allele CA5388199.